The following is an entry in ClinVar:

ClinVar aggregate classification (germline): Conflicting classifications of pathogenicity. Review status: criteria provided, conflicting classifications (1 of 4 stars). 3 submissions from 3 submitters: Uncertain significance (2); Likely benign (1). Last evaluated 2026-04-13.

Conditions:
Cardiovascular phenotype. Identifiers: MedGen CN230736.

Allele frequency attached by ClinVar (database versions not stated): gnomAD exomes 0.00002 and 0.00004; ExAC 0.00003; ESP Exome Variant Server 0.00008; TOPMed 0.00008; gnomAD 0.00011.
gnomAD v4.1: 43 of 1,613,716 alleles (0.0027%); highest among the groups gnomAD compares: Admixed American, 0.02%; no homozygotes.

Submissions (3):

Women's Health and Genetics/Laboratory Corporation of America, LabCorp
Classification: Uncertain significance. Last evaluated: 2026-04-13. Review status: criteria provided, single submitter. Criteria: LabCorp Variant Classification Summary - May 2015. Collection method: clinical testing. Allele origin: germline.

Ambry Genetics
Classification: Uncertain significance for Cardiovascular phenotype. Last evaluated: 2019-01-24. Review status: criteria provided, single submitter. Criteria: Ambry Variant Classification Scheme 2023. Collection method: clinical testing. Allele origin: germline.
Comment: The p.V21946M variant (also known as c.65836G>A), located in coding exon 166 of the TTN gene, results from a G to A substitution at nucleotide position 65836. The valine at codon 21946 is replaced by methionine, an amino acid with highly similar properties. This amino acid position is highly conserved in available vertebrate species. In addition, this alteration is predicted to be tolerated by in silico analysis. Since supporting evidence is limited at this time, the clinical significance of this alteration remains unclear.

GeneDx
Classification: Likely benign. Last evaluated: 2018-05-14. Review status: criteria provided, single submitter. Criteria: GeneDx Variant Classification (06012015). Collection method: clinical testing. Allele origin: germline. Affected: yes.
Comment: This variant is considered likely benign or benign based on one or more of the following criteria: it is a conservative change, it occurs at a poorly conserved position in the protein, it is predicted to be benign by multiple in silico algorithms, and/or has population frequency not consistent with disease.

NM_001267550.2(TTN):c.93031G>A (p.Val31011Met)

Genes: TTN (titin; minus strand), TTN-AS1 (TTN antisense RNA 1; plus strand). Cytogenetic location: 2q31.2.
Variant type: single nucleotide variant.
Coding change: c.93031G>A on transcript NM_001267550.2 (MANE Select); coding-DNA position 93031, G replaced by A.
Protein change: p.Val31011Met; replaces valine 31011 with methionine.
Molecular consequence: missense variant.
Genome position (GRCh38, 1-based): chr2:178,548,595, C>T on the plus strand (G>A on the coding strand, the complement: TTN is on the minus strand). VCF-style: chr2-178548595-C-T. GRCh37 (hg19) VCF-style: chr2-179413322-C-T.
Other names: c.88108G>A, p.Val29370Met (NM_001256850.1); c.65836G>A, p.Val21946Met (NM_003319.4); c.85327G>A, p.Val28443Met (NM_133378.4); c.66211G>A, p.Val22071Met (NM_133432.3); c.66412G>A, p.Val22138Met (NM_133437.4); short protein forms V21946M, V22071M, V28443M, V22138M, V29370M, V31011M.
Identifiers: ClinVar variation 668303 (VCV000668303.4), dbSNP rs369206712, ClinGen allele CA1987365.
Genomic context (GRCh38, chr2:178,548,595, plus strand): 5'-CCCGGGTCACATCTTTGAAGGTAATTGGGCCAGGTGGGCCTGGAGTGTCTAGCACTTTCA[C>T]GGTGAATGTGATTGACTTACTACCACTGTTGTTTTCCACAGTAAGGGTATATTTCCCTGC-3'
Protein context (NP_001254479.2, residues 31001-31021): NSGSKSITFT[Val31011Met]KVLDTPGPPG